The following is an entry in ClinVar:

NM_001844.5(COL2A1):c.1103C>T (p.Pro368Leu)

Gene: COL2A1 (collagen type II alpha 1 chain; minus strand). Cytogenetic location: 12q13.11.
Variant type: single nucleotide variant.
Coding change: c.1103C>T on transcript NM_001844.5 (MANE Select); coding-DNA position 1103, C replaced by T.
Protein change: p.Pro368Leu; replaces proline 368 with leucine.
Molecular consequence: missense variant.
Genome position (GRCh38, 1-based): chr12:47,989,247, G>A on the plus strand (C>T on the coding strand, the complement: COL2A1 is on the minus strand). VCF-style: chr12-47989247-G-A. GRCh37 (hg19) VCF-style: chr12-48383030-G-A.
Other names: c.896C>T, p.Pro299Leu (NM_033150.3); short protein forms P299L, P368L.
Identifiers: ClinVar variation 2440287 (VCV002440287.6), dbSNP rs1219147595, ClinGen allele CA384555288.
Genomic context (GRCh38, chr12:47,989,247, plus strand): 5'-TCGGCACCCAGAAGTTCCTGACTGGACAACAGGGCACGTACCTTGGCTCCAGGAGCACCA[G>A]GGAAGCCAGGACCACCAGCAGGACCGACAGGACCCTGGAGAGAGTAGGCGGATGAGAAGA-3'
Protein context (NP_001835.3, residues 358-378): PVGPAGGPGF[Pro368Leu]GAPGAKGEAG

ClinVar aggregate classification (germline): Uncertain significance. Review status: criteria provided, multiple submitters, no conflicts (2 of 4 stars). 2 submissions from 2 submitters: Uncertain significance (2). Last evaluated 2023-04-10.

Allele frequency attached by ClinVar (database versions not stated): gnomAD exomes below 0.00001; TOPMed 0.00001.
gnomAD v4.1: 1 of 1,612,974 alleles (0.000062%); highest among the groups gnomAD compares: Admixed American, 0.0017%; no homozygotes.

Submissions (2):

Labcorp Genetics (formerly Invitae), Labcorp
Classification: Uncertain significance. Last evaluated: 2023-04-10. Review status: criteria provided, single submitter. Criteria: Invitae Variant Classification Sherloc (09022015). Collection method: clinical testing. Allele origin: germline.
Comment: This variant is present in population databases (no rsID available, gnomAD 0.006%). This sequence change replaces proline, which is neutral and non-polar, with leucine, which is neutral and non-polar, at codon 368 of the COL2A1 protein (p.Pro368Leu). This variant has not been reported in the literature in individuals affected with COL2A1-related conditions. In summary, the available evidence is currently insufficient to determine the role of this variant in disease. Therefore, it has been classified as a Variant of Uncertain Significance. Advanced modeling of protein sequence and biophysical properties (such as structural, functional, and spatial information, amino acid conservation, physicochemical variation, residue mobility, and thermodynamic stability) performed at Invitae indicates that this missense variant is expected to disrupt COL2A1 protein function. ClinVar contains an entry for this variant (Variation ID: 2440287).

Revvity Omics, Revvity
Classification: Uncertain significance. Last evaluated: 2021-12-13. Review status: criteria provided, single submitter. Criteria: ACMG Guidelines, 2015. Collection method: clinical testing. Allele origin: germline.